The following is an entry in ClinVar:

ClinVar aggregate classification (germline): Uncertain significance. Review status: criteria provided, multiple submitters, no conflicts (2 of 4 stars). 2 submissions from 2 submitters: Uncertain significance (2). Last evaluated 2025-12-08.

Conditions:
Epileptic encephalopathy. Identifiers: MedGen C0543888, HP:0200134.

Allele frequency attached by ClinVar (database versions not stated): TOPMed 0.00001; ExAC 0.00002; gnomAD exomes 0.00002; ESP Exome Variant Server 0.00008.

Submissions (2):

Labcorp Genetics (formerly Invitae), Labcorp
Classification: Uncertain significance for Epileptic encephalopathy. Last evaluated: 2025-12-08. Review status: criteria provided, single submitter. Criteria: Invitae Variant Classification Sherloc (09022015). Collection method: clinical testing. Allele origin: germline.
Comment: This sequence change replaces methionine, which is neutral and non-polar, with valine, which is neutral and non-polar, at codon 1873 of the FASN protein (p.Met1873Val). This variant is present in population databases (rs372701906, gnomAD 0.01%). This variant has not been reported in the literature in individuals affected with FASN-related conditions. ClinVar contains an entry for this variant (Variation ID: 1419716). An algorithm developed to predict the effect of missense changes on protein structure and function (PolyPhen-2) suggests that this variant is likely to be tolerated. In summary, the available evidence is currently insufficient to determine the role of this variant in disease. Therefore, it has been classified as a Variant of Uncertain Significance.

Ambry Genetics
Classification: Uncertain significance. Last evaluated: 2023-05-24. Review status: criteria provided, single submitter. Criteria: Ambry Variant Classification Scheme 2023. Collection method: clinical testing. Allele origin: germline.

NM_004104.5(FASN):c.5617A>G (p.Met1873Val)

Gene: FASN (fatty acid synthase; minus strand). Cytogenetic location: 17q25.3.
Variant type: single nucleotide variant.
Coding change: c.5617A>G on transcript NM_004104.5 (MANE Select); coding-DNA position 5617, A replaced by G.
Protein change: p.Met1873Val; replaces methionine 1873 with valine.
Molecular consequence: missense variant.
Genome position (GRCh38, 1-based): chr17:82,083,064, T>C on the plus strand (A>G on the coding strand, the complement: FASN is on the minus strand). VCF-style: chr17-82083064-T-C. GRCh37 (hg19) VCF-style: chr17-80040940-T-C.
Other names: c.5617A>G (NM_004104.4); short protein forms M1873V.
Identifiers: ClinVar variation 1419716 (VCV001419716.9), dbSNP rs372701906, ClinGen allele CA8851617.
Genomic context (GRCh38, chr17:82,083,064, plus strand): 5'-GACCACCAGCGATGATGTAGCTCTTGTGGGCCGGGCAGAAGGTCTTGGAGATGGCCGACA[T>C]CAGCTTGGGTTTGGCCCCCTTCAGCACTGCCTCCGGCTCCTCCGCAAGCACCTGCGTCCA-3'
Protein context (NP_004095.4, residues 1863-1883): AVLKGAKPKL[Met1873Val]SAISKTFCPA